The following is an entry in ClinVar:

ClinVar aggregate classification (germline): Uncertain significance (1 of 4 stars; one submission).

Conditions:
Centromeric instability of chromosomes 1,9 and 16 and immunodeficiency (ICF1). Also called: Immunodeficiency-centromeric instability-facial anomalies; CENTROMERIC INSTABILITY, IMMUNODEFICIENCY SYNDROME; IMMUNE DEFICIENCY, VARIABLE, WITH CENTROMERIC INSTABILITY OF CHROMOSOMES 1, 9, AND 16; IMMUNODEFICIENCY SYNDROME, VARIABLE. Identifiers: Orphanet 2268, MedGen C0398788, MONDO:0000133.

Submission:

Labcorp Genetics (formerly Invitae), Labcorp
Classification: Uncertain significance for Centromeric instability of chromosomes 1,9 and 16 and immunodeficiency. Last evaluated: 2022-02-05. Review status: criteria provided, single submitter. Criteria: Invitae Variant Classification Sherloc (09022015). Collection method: clinical testing. Allele origin: germline.
Comment: This sequence change replaces leucine, which is neutral and non-polar, with phenylalanine, which is neutral and non-polar, at codon 528 of the DNMT3B protein (p.Leu528Phe). This variant is not present in population databases (gnomAD no frequency). This variant has not been reported in the literature in individuals affected with DNMT3B-related conditions. Algorithms developed to predict the effect of missense changes on protein structure and function (SIFT, PolyPhen-2, Align-GVGD) all suggest that this variant is likely to be tolerated. In summary, the available evidence is currently insufficient to determine the role of this variant in disease. Therefore, it has been classified as a Variant of Uncertain Significance.

NM_006892.4(DNMT3B):c.1582C>T (p.Leu528Phe)

Genes: DNMT3B (DNA methyltransferase 3 beta; plus strand), LOC126863014 (CDK7 strongly-dependent group 2 enhancer GRCh37_chr20:31385992-31387191; plus strand). Cytogenetic location: 20q11.21.
Variant type: single nucleotide variant.
Coding change: c.1582C>T on transcript NM_006892.4 (MANE Select); coding-DNA position 1582, C replaced by T.
Protein change: p.Leu528Phe; replaces leucine 528 with phenylalanine.
Molecular consequence: missense variant.
Genome position (GRCh38, 1-based): chr20:32,798,551, C>T. VCF-style: chr20-32798551-C-T. GRCh37 (hg19) VCF-style: chr20-31386357-C-T.
Other names: c.1396C>T, p.Leu466Phe (NM_001207055.2); c.1294C>T, p.Leu432Phe (NM_001207056.2); c.1522C>T, p.Leu508Phe (NM_175848.2, NM_175849.2); c.1558C>T, p.Leu520Phe (NM_175850.3); short protein forms L466F, L528F, L432F, L508F, L520F.
Identifiers: ClinVar variation 1437423 (VCV001437423.5), dbSNP rs960330899, ClinGen allele CA313154345.